The following is an entry in ClinVar:

ClinVar aggregate classification (germline): Uncertain significance. Review status: criteria provided, multiple submitters, no conflicts (2 of 4 stars). 4 submissions from 4 submitters: Uncertain significance (2). 2 of the submissions do not count toward it. Last evaluated 2025-11-20.

Conditions:
Ehlers-Danlos syndrome, classic type, 1 (EDSCL1). Also called: EHLERS-DANLOS SYNDROME, GRAVIS TYPE; EHLERS-DANLOS SYNDROME, SEVERE CLASSIC TYPE; EDS I; Ehlers-Danlos Syndrome, Classic Type, COL5A1-Related; Ehlers-Danlos syndrome, type 1. Identifiers: MedGen C0268335, MONDO:0019567, OMIM 130000.
Osteogenesis imperfecta type I (OI1). Also called: OI, TYPE I; OSTEOGENESIS IMPERFECTA TARDA; OSTEOGENESIS IMPERFECTA WITH BLUE SCLERAE; Classic Non-deforming Osteogenesis Imperfecta with Blue Sclerae; Lobstein disease; Osteogenesis imperfecta type 1. Identifiers: Orphanet 216796, Orphanet 666, MedGen C0023931, MONDO:0008146, OMIM 166200. Disease mechanism: loss of function.
Osteogenesis imperfecta, perinatal lethal (OI2). Also called: OI, TYPE II; OSTEOGENESIS IMPERFECTA CONGENITA; VROLIK TYPE OF OSTEOGENESIS IMPERFECTA; Osteogenesis imperfecta, dominant perinatal lethal; OSTEOGENESIS IMPERFECTA, TYPE II; Osteogenesis imperfecta type 2. Identifiers: Orphanet 216804, MedGen C0268358, MONDO:0008147, OMIM 166210.

Submissions (4):

MVZ Martinsried, Medicover Genetics
Classification: Uncertain significance for Osteogenesis imperfecta type I. Last evaluated: 2025-11-20. Review status: criteria provided, single submitter. Criteria: ACGS Guidelines, 2020. Collection method: clinical testing. Allele origin: unknown. Affected: yes. Observed: 1 heterozygote.

Labcorp Genetics (formerly Invitae), Labcorp
Classification: Uncertain significance for Osteogenesis imperfecta type I; Ehlers-Danlos syndrome, classic type, 1. Last evaluated: 2024-02-27. Review status: criteria provided, single submitter. Criteria: Invitae Variant Classification Sherloc (09022015). Collection method: clinical testing. Allele origin: germline.
Comment: This sequence change affects codon 891 of the COL1A2 mRNA. It is a 'silent' change, meaning that it does not change the encoded amino acid sequence of the COL1A2 protein. This variant also falls at the last nucleotide of exon 41, which is part of the consensus splice site for this exon. This variant is not present in population databases (gnomAD no frequency). This variant has been observed in individual(s) with clinical features of autosomal dominant osteogenesis imperfecta (Invitae). ClinVar contains an entry for this variant (Variation ID: 427739). Variants that disrupt the consensus splice site are a relatively common cause of aberrant splicing (PMID: 17576681, 9536098). Algorithms developed to predict the effect of sequence changes on RNA splicing suggest that this variant may disrupt the consensus splice site. In summary, the available evidence is currently insufficient to determine the role of this variant in disease. Therefore, it has been classified as a Variant of Uncertain Significance.

Zotz-Klimas Genetics Lab, MVZ Zotz Klimas
Classification: Likely pathogenic for Osteogenesis imperfecta, perinatal lethal. Last evaluated: 2023-10-30. Review status: no assertion criteria provided. Collection method: clinical testing. Allele origin: germline. Affected: yes. Not counted in ClinVar's aggregate classification.

Institute of Human Genetics, Cologne University
Classification: Likely pathogenic for Osteogenesis imperfecta, perinatal lethal. Review status: no assertion criteria provided. Collection method: clinical testing. Allele origin: unknown. Inheritance: Autosomal dominant inheritance. Affected: yes. Observed: 1 variant allele, 1 heterozygote. Not counted in ClinVar's aggregate classification.

Literature cited by the submitters: PubMed 17576681 (cited by Labcorp Genetics (formerly Invitae), Labcorp); PubMed 9536098 (cited by Labcorp Genetics (formerly Invitae), Labcorp).

NM_000089.4(COL1A2):c.2673G>A (p.Val891=)

Gene: COL1A2 (collagen type I alpha 2 chain; plus strand). Cytogenetic location: 7q21.3.
Variant type: single nucleotide variant.
Coding change: c.2673G>A on transcript NM_000089.4 (MANE Select); coding-DNA position 2673, G replaced by A.
Protein change: p.Val891=; no amino-acid change (valine 891 retained).
Molecular consequence: synonymous variant.
Genome position (GRCh38, 1-based): chr7:94,424,443, G>A. VCF-style: chr7-94424443-G-A. GRCh37 (hg19) VCF-style: chr7-94053755-G-A.
Identifiers: ClinVar variation 427739 (VCV000427739.11), dbSNP rs1114167364, ClinGen allele CA456489784.